The following is an entry in ClinVar:

ClinVar aggregate classification (germline): Uncertain significance. Review status: criteria provided, multiple submitters, no conflicts (2 of 4 stars). 2 submissions from 2 submitters: Uncertain significance (2). Last evaluated 2025-10-17.

Conditions:
Hereditary nonpolyposis colorectal neoplasms. Identifiers: MedGen C0009405, MeSH D003123.
Hereditary cancer-predisposing syndrome. Also called: Hereditary Cancer Syndrome; Hereditary neoplastic syndrome; Neoplastic Syndromes, Hereditary; Tumor predisposition. Identifiers: Orphanet 140162, MedGen C0027672, MeSH D009386, MONDO:0015356.

Submissions (2):

Ambry Genetics
Classification: Uncertain significance for Hereditary cancer-predisposing syndrome. Last evaluated: 2025-10-17. Review status: criteria provided, single submitter. Criteria: Ambry Variant Classification Scheme 2023. Collection method: clinical testing. Allele origin: germline.
Comment: The p.S523F variant (also known as c.1568C>T), located in coding exon 11 of the PMS2 gene, results from a C to T substitution at nucleotide position 1568. The serine at codon 523 is replaced by phenylalanine, an amino acid with highly dissimilar properties. This amino acid position is well conserved in available vertebrate species. In addition, this alteration is predicted to be tolerated by in silico analysis. Based on the available evidence, the clinical significance of this variant remains unclear.

Labcorp Genetics (formerly Invitae), Labcorp
Classification: Uncertain significance for Hereditary nonpolyposis colorectal neoplasms. Last evaluated: 2024-07-02. Review status: criteria provided, single submitter. Criteria: Invitae Variant Classification Sherloc (09022015). Collection method: clinical testing. Allele origin: germline.
Comment: This sequence change replaces serine, which is neutral and polar, with phenylalanine, which is neutral and non-polar, at codon 523 of the PMS2 protein (p.Ser523Phe). This variant is not present in population databases (gnomAD no frequency). This variant has not been reported in the literature in individuals affected with PMS2-related conditions. ClinVar contains an entry for this variant (Variation ID: 1063605). Advanced modeling of protein sequence and biophysical properties (such as structural, functional, and spatial information, amino acid conservation, physicochemical variation, residue mobility, and thermodynamic stability) performed at Invitae indicates that this missense variant is not expected to disrupt PMS2 protein function with a negative predictive value of 80%. In summary, the available evidence is currently insufficient to determine the role of this variant in disease. Therefore, it has been classified as a Variant of Uncertain Significance.

NM_000535.7(PMS2):c.1568C>T (p.Ser523Phe)

Gene: PMS2 (PMS1 homolog 2, mismatch repair system component; minus strand). Cytogenetic location: 7p22.1.
Variant type: single nucleotide variant.
Coding change: c.1568C>T on transcript NM_000535.7 (MANE Select); coding-DNA position 1568, C replaced by T.
Protein change: p.Ser523Phe; replaces serine 523 with phenylalanine.
Molecular consequence: missense variant. On other transcripts: non-coding transcript variant (1).
Genome position (GRCh38, 1-based): chr7:5,987,197, G>A on the plus strand (C>T on the coding strand, the complement: PMS2 is on the minus strand). VCF-style: chr7-5987197-G-A. GRCh37 (hg19) VCF-style: chr7-6026828-G-A.
Other names: c.1163C>T, p.Ser388Phe (NM_001322003.2, NM_001322004.2, NM_001322005.2 and 1 more transcripts); c.1412C>T, p.Ser471Phe (NM_001322006.2); c.1250C>T, p.Ser417Phe (NM_001322007.2, NM_001322008.2); c.1007C>T, p.Ser336Phe (NM_001322010.2); c.635C>T, p.Ser212Phe (NM_001322011.2, NM_001322012.2); c.995C>T, p.Ser332Phe (NM_001322013.2); c.1568C>T, p.Ser523Phe (NM_001322014.2); c.1259C>T, p.Ser420Phe (NM_001322015.2); short protein forms S212F, S332F, S336F, S388F, S417F, S420F, S471F, S523F.
Identifiers: ClinVar variation 1063605 (VCV001063605.12), dbSNP rs1583318261, ClinGen allele CA366741571.
Genomic context (GRCh38, chr7:5,987,197, plus strand): 5'-TCAGTTTTAGGCGCTTTCTCCTGAGAGTCCACATGTTCCTGCGAGCCCCTGTCCCCTGGG[G>A]AGCTGGCCGCATACTCGCTGCTGCAGTGACTGCCCGTGTCTGGGATGCTGAACCCCTCAG-3'
Protein context (NP_000526.2, residues 513-533): SHCSSEYAAS[Ser523Phe]PGDRGSQEHV